The following is an entry in ClinVar:

NM_015909.4(NBAS):c.4837G>A (p.Val1613Met)

Gene: NBAS (NBAS subunit of NRZ tethering complex; minus strand). Cytogenetic location: 2p24.3.
Variant type: single nucleotide variant.
Coding change: c.4837G>A on transcript NM_015909.4 (MANE Select); coding-DNA position 4837, G replaced by A.
Protein change: p.Val1613Met; replaces valine 1613 with methionine.
Molecular consequence: missense variant. On other transcripts: non-coding transcript variant (1).
Genome position (GRCh38, 1-based): chr2:15,292,727, C>T on the plus strand (G>A on the coding strand, the complement: NBAS is on the minus strand). VCF-style: chr2-15292727-C-T. GRCh37 (hg19) VCF-style: chr2-15432851-C-T.
Other names: short protein forms V1613M.
Identifiers: ClinVar variation 1809860 (VCV001809860.1), dbSNP rs1558509156, ClinGen allele CA345890183.

ClinVar aggregate classification (germline): Uncertain significance (1 of 4 stars; one submission).

Allele frequency attached by ClinVar (database versions not stated): gnomAD exomes below 0.00001.
gnomAD v4.1: 1 of 1,614,216 alleles (0.000062%); highest among the groups gnomAD compares: East Asian, 0.0022%; no homozygotes.

Submission:

GeneDx
Classification: Uncertain significance. Last evaluated: 2022-06-29. Review status: criteria provided, single submitter. Criteria: GeneDx Variant Classification Process June 2021. Collection method: clinical testing. Allele origin: germline. Affected: yes.
Comment: Not observed at significant frequency in large population cohorts (gnomAD); In silico analysis supports that this missense variant does not alter protein structure/function; Has not been previously published as pathogenic or benign to our knowledge